The following is an entry in ClinVar:

ClinVar aggregate classification (germline): Uncertain significance (1 of 4 stars; one submission).

Submission:

Labcorp Genetics (formerly Invitae), Labcorp
Classification: Uncertain significance. Last evaluated: 2025-11-19. Review status: criteria provided, single submitter. Criteria: Invitae Variant Classification Sherloc (09022015). Collection method: clinical testing. Allele origin: germline.
Comment: This variant occurs in a non-coding region of the GINS1 gene. It does not change the encoded amino acid sequence of the GINS1 protein. Information on the frequency of this variant in the gnomAD database is not available, as this variant may be reported differently in the database. This variant has not been reported in the literature in individuals affected with GINS1-related conditions. Experimental studies and prediction algorithms are not available or were not evaluated, and the functional significance of this variant is currently unknown. In summary, the available evidence is currently insufficient to determine the role of this variant in disease. Therefore, it has been classified as a Variant of Uncertain Significance.

NM_021067.5(GINS1):c.-48_-47delinsTC

Genes: GINS1 (GINS complex subunit 1; plus strand), LOC130065587 (ATAC-STARR-seq lymphoblastoid active region 17669; plus strand). Cytogenetic location: 20p11.21.
Variant type: Indel.
Coding change: c.-48_-47delinsTC on transcript NM_021067.5 (MANE Select); 48 bases upstream of the start codon through 47 bases upstream of the start codon, CG replaced by TC.
Molecular consequence: 5 prime UTR variant. On other transcripts: non-coding transcript variant (1).
Genome position (GRCh38, 1-based): chr20:25,407,773-25,407,774, CG replaced by TC. VCF-style: chr20-25407773-CG-TC. GRCh37 (hg19) VCF-style: chr20-25388409-CG-TC.
Other names: c.-48_-47delinsTC (NM_001410830.1, NM_001410831.1).
Identifiers: ClinVar variation 4773674 (VCV004773674.1).